The following is an entry in ClinVar:

NM_014363.6(SACS):c.427_428del (p.Trp144fs)

Gene: SACS (sacsin molecular chaperone; minus strand). Cytogenetic location: 13q12.12.
Variant type: Microsatellite.
Coding change: c.427_428del on transcript NM_014363.6 (MANE Select); coding-DNA positions 427 to 428, 2 bases deleted (CT; older notation c.427_428delCT).
Protein change: p.Trp144fs; shifts the reading frame from tryptophan 144.
Molecular consequence: frameshift variant. On other transcripts: 5 prime UTR variant (1).
Genome position (GRCh38, 1-based): chr13:23,365,195-23,365,196, AG deleted on the plus strand (CT on the coding strand, the reverse complement: SACS is on the minus strand); deleting any 2 consecutive bases within chr13:23,365,195-23,365,198 gives the same sequence; the c. name uses the placement nearest the transcript's 3' end. VCF-style (leftmost placement, unchanged base first): chr13-23365194-AAG-A. GRCh37 (hg19) VCF-style: chr13-23939333-AAG-A.
Other names: c.427_428delCT (NM_014363.5); c.-17CT[1] (NM_001278055.2); short protein forms W144fs.
Identifiers: ClinVar variation 2162750 (VCV002162750.5), dbSNP rs2542442157, ClinGen allele CA2580614633.

ClinVar aggregate classification (germline): Pathogenic/Likely pathogenic. Review status: criteria provided, multiple submitters, no conflicts (2 of 4 stars). 2 submissions from 2 submitters: Pathogenic (1); Likely pathogenic (1). Last evaluated 2025-05-12.

Conditions:
Spastic paraplegia. Identifiers: MedGen C0037772, HP:0001258.
Charlevoix-Saguenay spastic ataxia (SACS). Also called: SPASTIC ATAXIA 6, AUTOSOMAL RECESSIVE; AUTOSOMAL RECESSIVE SPASTIC ATAXIA OF CHARLEVOIX-SAGUENAY; Spastic ataxia of Charlevoix-Saguenay. Identifiers: Orphanet 98, MedGen C1849140, MONDO:0010041, OMIM 270550.

Submissions (2):

Natera, Inc.
Classification: Likely pathogenic for Charlevoix-Saguenay type spastic ataxia. Last evaluated: 2025-05-12. Review status: criteria provided, single submitter. Criteria: Natera Variant Classification Schema (03/2026). Collection method: clinical testing. Allele origin: germline.
Comment: The c.427_428delCT variant in SACS is a frameshift variant predicted to shift the reading frame beginning at codon 144 and leads to a stop codon 39 codons downstream. This variant is expected to result in nonsense mediated decay, truncation, or a dysfunctional protein product. This variant is rare in the general population with a frequency below the threshold expected for the associated phenotype(s). Given the available evidence, this variant is classified as Likely Pathogenic.

Labcorp Genetics (formerly Invitae), Labcorp
Classification: Pathogenic for Spastic paraplegia. Last evaluated: 2022-08-09. Review status: criteria provided, single submitter. Criteria: Invitae Variant Classification Sherloc (09022015). Collection method: clinical testing. Allele origin: germline.
Comment: For these reasons, this variant has been classified as Pathogenic. This premature translational stop signal has been observed in individual(s) with spastic ataxia (PMID: 26288984, 33414805). This variant is not present in population databases (gnomAD no frequency). This sequence change creates a premature translational stop signal (p.Trp144Valfs*39) in the SACS gene. It is expected to result in an absent or disrupted protein product. Loss-of-function variants in SACS are known to be pathogenic (PMID: 18465152, 20876471).

Literature cited by the submitters: PubMed 26288984 (cited by Labcorp Genetics (formerly Invitae), Labcorp); PubMed 33414805 (cited by Labcorp Genetics (formerly Invitae), Labcorp); PubMed 18465152 (cited by Labcorp Genetics (formerly Invitae), Labcorp); PubMed 20876471 (cited by Labcorp Genetics (formerly Invitae), Labcorp).